The following is an entry in ClinVar:

NM_014363.6(SACS):c.2686C>T (p.Leu896Phe)

Gene: SACS (sacsin molecular chaperone; minus strand). Cytogenetic location: 13q12.12.
Variant type: single nucleotide variant.
Coding change: c.2686C>T on transcript NM_014363.6 (MANE Select); coding-DNA position 2686, C replaced by T.
Protein change: p.Leu896Phe; replaces leucine 896 with phenylalanine.
Molecular consequence: missense variant.
Genome position (GRCh38, 1-based): chr13:23,341,190, G>A on the plus strand (C>T on the coding strand, the complement: SACS is on the minus strand). VCF-style: chr13-23341190-G-A. GRCh37 (hg19) VCF-style: chr13-23915329-G-A.
Other names: p.Leu896Phe; c.2245C>T, p.Leu749Phe (NM_001278055.2); short protein forms L749F, L896F.
Identifiers: ClinVar variation 805294 (VCV000805294.8), dbSNP rs760556327, ClinGen allele CA6911644.

ClinVar aggregate classification (germline): Conflicting classifications of pathogenicity. Review status: criteria provided, conflicting classifications (1 of 4 stars). 5 submissions from 5 submitters: Uncertain significance (3); Likely benign (1). 1 of the submissions does not count toward it. Last evaluated 2025-06-27.

Conditions:
Inborn genetic diseases. Identifiers: MedGen C0950123, MeSH D030342.
Charlevoix-Saguenay spastic ataxia (SACS). Also called: Spastic ataxia of Charlevoix-Saguenay; AUTOSOMAL RECESSIVE SPASTIC ATAXIA OF CHARLEVOIX-SAGUENAY; SPASTIC ATAXIA 6, AUTOSOMAL RECESSIVE. Identifiers: Orphanet 98, MedGen C1849140, MONDO:0010041, OMIM 270550.
Spastic paraplegia. Identifiers: MedGen C0037772, HP:0001258.

Allele frequency attached by ClinVar (database versions not stated): gnomAD exomes 0.00001 and 0.00002; TOPMed 0.00002; ExAC 0.00003.
gnomAD v4.1: 8 of 1,613,494 alleles (0.0005%); highest among the groups gnomAD compares: Admixed American, 0.013%; no homozygotes.

Submissions (5):

Mayo Clinic Laboratories, Mayo Clinic
Classification: Uncertain significance. Last evaluated: 2025-06-27. Review status: criteria provided, single submitter. Criteria: ACMG Guidelines, 2015. Collection method: clinical testing. Allele origin: germline. Observed: 1 variant allele.
Comment: PM2_supporting

Labcorp Genetics (formerly Invitae), Labcorp
Classification: Likely benign for Spastic paraplegia. Last evaluated: 2025-04-24. Review status: criteria provided, single submitter. Criteria: Invitae Variant Classification Sherloc (09022015). Collection method: clinical testing. Allele origin: germline.

Ambry Genetics
Classification: Uncertain significance for Inborn genetic diseases. Last evaluated: 2024-08-15. Review status: criteria provided, single submitter. Criteria: Ambry Variant Classification Scheme 2023. Collection method: clinical testing. Allele origin: germline.

Athena Diagnostics
Classification: Uncertain significance. Last evaluated: 2019-06-17. Review status: criteria provided, single submitter. Criteria: Athena Diagnostics Criteria. Collection method: clinical testing. Allele origin: germline.

Natera, Inc.
Classification: Uncertain significance for Charlevoix-Saguenay type spastic ataxia. Last evaluated: 2021-08-04. Review status: no assertion criteria provided. Collection method: clinical testing. Allele origin: germline. Not counted in ClinVar's aggregate classification.